The following is an entry in ClinVar:

ClinVar aggregate classification (germline): Uncertain significance (1 of 4 stars; one submission).

Conditions:
Adams-Oliver syndrome 5 (AOS5). Identifiers: Orphanet 974, MedGen C4014970, MONDO:0014459, OMIM 616028.

Allele frequency attached by ClinVar (database versions not stated): gnomAD exomes below 0.00001; TOPMed below 0.00001; gnomAD 0.00001.
gnomAD v4.1: 6 of 1,609,862 alleles (0.00037%); highest among the groups gnomAD compares: African/African-American, 0.0013%; no homozygotes.

Submission:

Labcorp Genetics (formerly Invitae), Labcorp
Classification: Uncertain significance for Adams-Oliver syndrome 5. Last evaluated: 2023-02-09. Review status: criteria provided, single submitter. Criteria: Invitae Variant Classification Sherloc (09022015). Collection method: clinical testing. Allele origin: germline.
Comment: This sequence change falls in intron 31 of the NOTCH1 gene. It does not directly change the encoded amino acid sequence of the NOTCH1 protein. It affects a nucleotide within the consensus splice site. This variant is not present in population databases (gnomAD no frequency). In summary, the available evidence is currently insufficient to determine the role of this variant in disease. Therefore, it has been classified as a Variant of Uncertain Significance. Variants that disrupt the consensus splice site are a relatively common cause of aberrant splicing (PMID: 17576681, 9536098). Algorithms developed to predict the effect of sequence changes on RNA splicing suggest that this variant is not likely to affect RNA splicing. This variant has not been reported in the literature in individuals affected with NOTCH1-related conditions.

Literature cited by the submitters: PubMed 17576681; PubMed 9536098.

NM_017617.5(NOTCH1):c.5934+6C>T

Gene: NOTCH1 (notch receptor 1; minus strand). Cytogenetic location: 9q34.3.
Variant type: single nucleotide variant.
Coding change: c.5934+6C>T on transcript NM_017617.5 (MANE Select); 6 bases into the intron after coding-DNA position 5934, C replaced by T.
Molecular consequence: intron variant.
Genome position (GRCh38, 1-based): chr9:136,500,546, G>A on the plus strand (C>T on the coding strand, the complement: NOTCH1 is on the minus strand). VCF-style: chr9-136500546-G-A. GRCh37 (hg19) VCF-style: chr9-139394998-G-A.
Identifiers: ClinVar variation 2907798 (VCV002907798.3), dbSNP rs1186676322, ClinGen allele CA591367266.